The following is an entry in ClinVar:

NM_000163.5(GHR):c.876-10T>A

Gene: GHR (growth hormone receptor; plus strand). Cytogenetic location: 5p12.
Variant type: single nucleotide variant.
Coding change: c.876-10T>A on transcript NM_000163.5 (MANE Select); 10 bases into the intron before coding-DNA position 876, T replaced by A.
Molecular consequence: intron variant.
Genome position (GRCh38, 1-based): chr5:42,718,042, T>A. VCF-style: chr5-42718042-T-A. GRCh37 (hg19) VCF-style: chr5-42718144-T-A.
Other names: c.810-10T>A (NM_001242460.2); c.876-10T>A (NM_001242400.2, NM_001242401.4, NM_001242402.2 and 4 more transcripts); c.897-10T>A (NM_001242399.2); c.876-411T>A (NM_001242462.1).
Identifiers: ClinVar variation 2852654 (VCV002852654.3), dbSNP rs770397954, ClinGen allele CA2739274722.

ClinVar aggregate classification (germline): Uncertain significance (1 of 4 stars; one submission).

Submission:

Labcorp Genetics (formerly Invitae), Labcorp
Classification: Uncertain significance. Last evaluated: 2023-04-06. Review status: criteria provided, single submitter. Criteria: Invitae Variant Classification Sherloc (09022015). Collection method: clinical testing. Allele origin: germline.
Comment: This sequence change falls in intron 8 of the GHR gene. It does not directly change the encoded amino acid sequence of the GHR protein. This variant is not present in population databases (gnomAD no frequency). This variant has not been reported in the literature in individuals affected with GHR-related conditions. Algorithms developed to predict the effect of sequence changes on RNA splicing suggest that this variant may disrupt the consensus splice site. In summary, the available evidence is currently insufficient to determine the role of this variant in disease. Therefore, it has been classified as a Variant of Uncertain Significance.